The following is an entry in ClinVar:

ClinVar aggregate classification (germline): Likely benign. Review status: criteria provided, multiple submitters, no conflicts (2 of 4 stars). 3 submissions from 3 submitters: Likely benign (3). Last evaluated 2024-10-22.

Conditions:
Dilated cardiomyopathy 1G (CMD1G). Identifiers: Orphanet 154, MedGen C1858763, MONDO:0011400, OMIM 604145.
Autosomal recessive limb-girdle muscular dystrophy type 2J (LGMDR10). Also called: Limb-girdle muscular dystrophy, type 2J; MUSCULAR DYSTROPHY, LIMB-GIRDLE, AUTOSOMAL RECESSIVE 10. Identifiers: Orphanet 140922, MedGen C1837342, MONDO:0012127, OMIM 608807.
Myopathy, myofibrillar, 9, with early respiratory failure (MFM9). Also called: Hereditary myopathy with early respiratory failure; EDSTROM MYOPATHY; MYOPATHY, PROXIMAL, WITH EARLY RESPIRATORY MUSCLE INVOLVEMENT; Myopathy, distal, with early respiratory failure, autosomal dominant. Identifiers: Orphanet 178464, Orphanet 34521, MedGen C1863599, MONDO:0011362, OMIM 603689.
Tibial muscular dystrophy (TMD). Also called: Tibial muscular dystrophy, tardive; Udd Distal Myopathy – Tibial Muscular Dystrophy; UDD MYOPATHY. Identifiers: Orphanet 609, MedGen C1838244, MONDO:0010870, OMIM 600334.
Hypertrophic cardiomyopathy 9. Also called: Familial hypertrophic cardiomyopathy 9. Identifiers: MedGen C1861065, MONDO:0013412, OMIM 613765.
Early-onset myopathy with fatal cardiomyopathy (CMYO5). Also called: Salih Myopathy; CONGENITAL MYOPATHY 5 WITH CARDIOMYOPATHY. Identifiers: Orphanet 289377, MedGen C2673677, MONDO:0012714, OMIM 611705. Disease mechanism: loss of function.

Allele frequency attached by ClinVar (database versions not stated): gnomAD 0.00001 and 0.00002; TOPMed 0.00002; gnomAD exomes 0.00003; ExAC 0.00013.
gnomAD v4.1: 37 of 1,481,214 alleles (0.0025%); highest among the groups gnomAD compares: Non-Finnish European, 0.0031%; no homozygotes.

Submissions (3):

Blueprint Genetics
Classification: Likely benign. Last evaluated: 2024-10-22. Review status: criteria provided, single submitter. Criteria: ACMG Guidelines, 2015. Collection method: clinical testing. Allele origin: germline.

Fulgent Genetics
Classification: Likely benign for Tibial muscular dystrophy; Myopathy, myofibrillar, 9, with early respiratory failure; Dilated cardiomyopathy 1G; Autosomal recessive limb-girdle muscular dystrophy type 2J; Early-onset myopathy with fatal cardiomyopathy; Hypertrophic cardiomyopathy 9. Last evaluated: 2021-08-26. Review status: criteria provided, single submitter. Criteria: ACMG Guidelines, 2015. Collection method: clinical testing. Allele origin: unknown.

GeneDx
Classification: Likely benign. Last evaluated: 2018-05-07. Review status: criteria provided, single submitter. Criteria: GeneDx Variant Classification (06012015). Collection method: clinical testing. Allele origin: germline. Affected: yes.
Comment: This variant is considered likely benign or benign based on one or more of the following criteria: it is a conservative change, it occurs at a poorly conserved position in the protein, it is predicted to be benign by multiple in silico algorithms, and/or has population frequency not consistent with disease.

NM_001267550.2(TTN):c.40408+20A>G

Gene: TTN (titin; minus strand). Cytogenetic location: 2q31.2.
Variant type: single nucleotide variant.
Coding change: c.40408+20A>G on transcript NM_001267550.2 (MANE Select); 20 bases into the intron after coding-DNA position 40408, A replaced by G.
Molecular consequence: intron variant.
Genome position (GRCh38, 1-based): chr2:178,645,900, T>C on the plus strand (A>G on the coding strand, the complement: TTN is on the minus strand). VCF-style: chr2-178645900-T-C. GRCh37 (hg19) VCF-style: chr2-179510627-T-C.
Other names: c.13283-3583A>G (NM_003319.4); c.13859-3583A>G (NM_133437.4); c.13658-3583A>G (NM_133432.3); c.32704+20A>G (NM_133378.4); c.35485+20A>G (NM_001256850.1).
Identifiers: ClinVar variation 668296 (VCV000668296.3), dbSNP rs750616546, ClinGen allele CA1996497.